The following is an entry in ClinVar:

ClinVar aggregate classification (germline): Pathogenic. Review status: criteria provided, multiple submitters, no conflicts (2 of 4 stars). 10 submissions from 10 submitters: Pathogenic (9). 1 of the submissions does not count toward it. Last evaluated 2025-10-03.

Conditions:
autosomal dominant PALB2-related cancer predisposition.
PALB2-related cancer predisposition. Identifiers: MedGen CN377761, MONDO:0700272.
Hereditary cancer-predisposing syndrome. Also called: Hereditary neoplastic syndrome; Tumor predisposition; Neoplastic Syndromes, Hereditary; Hereditary Cancer Syndrome. Identifiers: Orphanet 140162, MedGen C0027672, MeSH D009386, MONDO:0015356.
Hereditary breast ovarian cancer syndrome. Also called: Hereditary breast and ovarian cancer; Hereditary breast and/or ovarian cancer syndrome; Hereditary breast and ovarian cancer syndrome; Hereditary breast and ovarian cancer syndrome (HBOC); Breast and ovarian cancer; BRCA1- and BRCA2-Associated Hereditary Breast and Ovarian Cancer. Identifiers: Orphanet 145, MedGen C0677776, MeSH D061325, MONDO:0003582. Disease mechanism: loss of function.
Familial cancer of breast. Also called: hereditary breast carcinoma; BREAST CANCER, FAMILIAL; Hereditary breast cancer. Identifiers: Orphanet 227535, MedGen C0346153, MONDO:0016419, OMIM 114480. Disease mechanism: loss of function.
Fanconi anemia complementation group N. Also called: PALB2-Related Fanconi Anemia. Identifiers: Orphanet 84, MedGen C1835817, MONDO:0012565, OMIM 610832. Disease mechanism: loss of function.

Submissions (10):

GeneDx
Classification: Pathogenic. Last evaluated: 2025-10-03. Review status: criteria provided, single submitter. Criteria: GeneDx Variant Classification Process June 2021. Collection method: clinical testing. Allele origin: germline. Affected: yes.
Comment: Frameshift variant predicted to result in protein truncation or nonsense mediated decay in a gene for which loss of function is a known mechanism of disease; Not observed at significant frequency in large population cohorts (gnomAD); Truncating variants in this gene are considered pathogenic by a well-established clinical consortium and/or database; This variant is associated with the following publications: (PMID: 26990772, 23112754, 37686625, 38476606)

Variantyx, Inc.
Classification: Pathogenic for autosomal dominant PALB2-related cancer predisposition. Last evaluated: 2025-07-18. Review status: criteria provided, single submitter. Criteria: Variantyx Assertion Criteria 2022. Collection method: clinical testing. Allele origin: germline. Inheritance: Autosomal dominant inheritance. Affected: yes.
Comment: This is a frameshift variant in the PALB2 gene (OMIM: 610355). Pathogenic variants in this gene have been associated with autosomal dominant susceptibility to breast and/or ovarian cancer. This variant introduces a premature termination codon in exon 4 out of 13and is expected to result in loss of function, which is a known disease mechanism for PALB2 in this disorder (PMID: 25099575, 28825143) (PVS1). This variant has been reported in at least 1 affected family (PMID: 23112754) (PS4). This variant has a 0.0002% maximum allele frequency in non-founder control populations (PM2). Based on the current evidence, this variant is classified as likely pathogenic for autosomal dominant susceptibility to breast and/or ovarian cancer.This variant may have been reported by previous genetic testing.

Ambry Genetics
Classification: Pathogenic for Hereditary cancer-predisposing syndrome. Last evaluated: 2025-05-15. Review status: criteria provided, single submitter. Criteria: Ambry Variant Classification Scheme 2023. Collection method: clinical testing. Allele origin: germline.
Comment: The c.1676_1677delAAinsG (p.Q559Rfs*2) alteration, located in exon 4 (coding exon 4) of the PALB2 gene, consists of a deletion of 2 and insertion of 1 nucleotides causing a translational frameshift at position 1676 with a predicted alternate stop codon after 2 amino acids. This alteration is expected to result in loss of function by premature protein truncation or nonsense-mediated mRNA decay. This variant was not reported in population-based cohorts in the Genome Aggregation Database (gnomAD). This mutation, designated also as p.Gln559ArgfsTer2, was identified in trans with a hypomorphic PALB2 allele (c.2586+1G>A) in siblings with very mild FA-N (Byrd, 2016). Based on the available evidence, this alteration is classified as pathogenic.

Myriad Genetics, Inc.
Classification: Pathogenic for Familial cancer of breast. Last evaluated: 2023-09-11. Review status: criteria provided, single submitter. Criteria: Myriad Autosomal Dominant, Autosomal Recessive and X-Linked Classification Criteria (2023). Collection method: clinical testing. Allele origin: unknown.
Comment: This variant is considered pathogenic. This variant creates a frameshift predicted to result in premature protein truncation.

Department of Pathology and Laboratory Medicine, Sinai Health System
Classification: Pathogenic for Hereditary breast ovarian cancer syndrome. Last evaluated: 2022-03-21. Review status: criteria provided, single submitter. Criteria: ACMG Guidelines, 2015. Collection method: clinical testing. Allele origin: germline. Affected: yes.

Department of Molecular Diagnostics, Institute of Oncology Ljubljana
Classification: Pathogenic for Familial cancer of breast. Last evaluated: 2020-04-02. Review status: criteria provided, single submitter. Criteria: ACMG Guidelines, 2015. Collection method: clinical testing. Allele origin: germline. Affected: yes.

Color Diagnostics, LLC DBA Color Health
Classification: Pathogenic for Hereditary cancer-predisposing syndrome. Last evaluated: 2020-01-15. Review status: criteria provided, single submitter. Criteria: ACMG Guidelines, 2015. Collection method: clinical testing. Allele origin: germline.
Comment: This variant is located in the PALB2 protein. Splice site prediction tools suggest that this variant may not impact RNA splicing. This variant has not been identified in the general population by the Genome Aggregation Database (gnomAD). Loss of PALB2 function is a known mechanism of disease. Based on the available evidence, this variant is classified as Pathogenic.

Quest Diagnostics Nichols Institute San Juan Capistrano
Classification: Pathogenic. Last evaluated: 2018-05-31. Review status: criteria provided, single submitter. Criteria: Quest Diagnostics criteria. Collection method: clinical testing. Allele origin: germline.

University Health Network, Familial Cancer Clinic, Princess Margaret Cancer Centre
Classification: Pathogenic for PALB2-related cancer predisposition. Review status: criteria provided, single submitter. Criteria: ACMG Guidelines, 2015. Collection method: clinical testing. Allele origin: germline. Inheritance: Autosomal dominant inheritance. Affected: no. Observed: 1 variant allele.

Leiden Open Variation Database
Classification: Pathogenic for Fanconi anemia complementation group N. Last evaluated: 2019-05-13. Review status: no assertion criteria provided. Collection method: curation. Allele origin: germline. Affected: yes. Not counted in ClinVar's aggregate classification.
Comment: Curators: Marc Tischkowitz, Arleen D. Auerbach. Submitter to LOVD: Marc Tischkowitz.

Literature cited by the submitters: PubMed 25099575 (cited by Variantyx, Inc.); PubMed 28825143 (cited by Variantyx, Inc.); PubMed 23112754 (cited by 4 submitters); PubMed 26990772 (cited by 3 submitters).

NM_024675.4(PALB2):c.1676_1677delinsG (p.Gln559fs)

Gene: PALB2 (partner and localizer of BRCA2; minus strand). Cytogenetic location: 16p12.2.
Variant type: Indel.
Coding change: c.1676_1677delinsG on transcript NM_024675.4 (MANE Select); coding-DNA positions 1676 to 1677, AA replaced by G.
Protein change: p.Gln559fs; shifts the reading frame from glutamine 559.
Molecular consequence: frameshift variant.
Genome position (GRCh38, 1-based): chr16:23,634,869-23,634,870, TT replaced by C on the plus strand (AA replaced by G on the coding strand, the reverse complement: PALB2 is on the minus strand). VCF-style: chr16-23634869-TT-C. GRCh37 (hg19) VCF-style: chr16-23646190-TT-C.
Other names: c.1676_1677delAAinsG (NM_024675.3); short protein forms Q559fs.
Identifiers: ClinVar variation 126614 (VCV000126614.20), dbSNP rs515726073, ClinGen allele CA269504.